The following is an entry in ClinVar:

ClinVar aggregate classification (germline): Uncertain significance. Review status: criteria provided, multiple submitters, no conflicts (2 of 4 stars). 2 submissions from 2 submitters: Uncertain significance (2). Last evaluated 2024-12-02.

Conditions:
Inborn genetic diseases. Identifiers: MedGen C0950123, MeSH D030342.

gnomAD v4.1: 23 of 1,551,434 alleles (0.0015%); highest among the groups gnomAD compares: Admixed American, 0.029%; no homozygotes.

Submissions (2):

Ambry Genetics
Classification: Uncertain significance for Inborn genetic diseases. Last evaluated: 2024-12-02. Review status: criteria provided, single submitter. Criteria: Ambry Variant Classification Scheme 2023. Collection method: clinical testing. Allele origin: germline.

Labcorp Genetics (formerly Invitae), Labcorp
Classification: Uncertain significance. Last evaluated: 2022-07-12. Review status: criteria provided, single submitter. Criteria: Invitae Variant Classification Sherloc (09022015). Collection method: clinical testing. Allele origin: germline.
Comment: This sequence change replaces glutamic acid, which is acidic and polar, with glutamine, which is neutral and polar, at codon 1507 of the LOXHD1 protein (p.Glu1507Gln). This variant is present in population databases (no rsID available, gnomAD 0.04%). This variant has not been reported in the literature in individuals affected with LOXHD1-related conditions. Algorithms developed to predict the effect of missense changes on protein structure and function are either unavailable or do not agree on the potential impact of this missense change (SIFT: "Deleterious"; PolyPhen-2: "Probably Damaging"; Align-GVGD: "Class C0"). In summary, the available evidence is currently insufficient to determine the role of this variant in disease. Therefore, it has been classified as a Variant of Uncertain Significance.

NM_001384474.1(LOXHD1):c.4519G>C (p.Glu1507Gln)

Gene: LOXHD1 (lipoxygenase homology PLAT domains 1; minus strand). Cytogenetic location: 18q21.1.
Variant type: single nucleotide variant.
Coding change: c.4519G>C on transcript NM_001384474.1 (MANE Select); coding-DNA position 4519, G replaced by C.
Protein change: p.Glu1507Gln; replaces glutamic acid 1507 with glutamine.
Molecular consequence: missense variant.
Genome position (GRCh38, 1-based): chr18:46,529,188, C>G on the plus strand (G>C on the coding strand, the complement: LOXHD1 is on the minus strand). VCF-style: chr18-46529188-C-G. GRCh37 (hg19) VCF-style: chr18-44109151-C-G.
Other names: c.1186G>C, p.Glu396Gln (NM_001145472.3); c.898G>C, p.Glu300Gln (NM_001308013.2); c.4519G>C, p.Glu1507Gln (NM_144612.7); c.4519G>C (NM_144612.6); short protein forms E1507Q, E396Q, E300Q.
Identifiers: ClinVar variation 2055718 (VCV002055718.3), dbSNP rs752123459, ClinGen allele CA402373649.